The following is an entry in ClinVar:

NM_006904.7(PRKDC):c.2485G>T (p.Val829Leu)

Gene: PRKDC (protein kinase, DNA-activated, catalytic subunit; minus strand). Cytogenetic location: 8q11.21.
Variant type: single nucleotide variant.
Coding change: c.2485G>T on transcript NM_006904.7 (MANE Select); coding-DNA position 2485, G replaced by T.
Protein change: p.Val829Leu; replaces valine 829 with leucine.
Molecular consequence: missense variant.
Genome position (GRCh38, 1-based): chr8:47,918,318, C>A on the plus strand (G>T on the coding strand, the complement: PRKDC is on the minus strand). VCF-style: chr8-47918318-C-A. GRCh37 (hg19) VCF-style: chr8-48830878-C-A.
Other names: c.2485G>T, p.Val829Leu (NM_001081640.2); short protein forms V829L.
Identifiers: ClinVar variation 3310102 (VCV003310102.1).

ClinVar aggregate classification (germline): Uncertain significance (1 of 4 stars; one submission).

Submission:

Ambry Genetics
Classification: Uncertain significance. Last evaluated: 2024-04-01. Review status: criteria provided, single submitter. Criteria: Ambry Variant Classification Scheme 2023. Collection method: clinical testing. Allele origin: germline.
Comment: The p.V829L variant (also known as c.2485G>T), located in coding exon 22 of the PRKDC gene, results from a G to T substitution at nucleotide position 2485. The valine at codon 829 is replaced by leucine, an amino acid with highly similar properties. This amino acid position is conserved. In addition, this alteration is predicted to be tolerated by in silico analysis. Based on the available evidence, the clinical significance of this alteration remains unclear.